The following is an entry in ClinVar:

NM_014915.3(ANKRD26):c.4137T>G (p.Asn1379Lys)

Gene: ANKRD26 (ankyrin repeat domain 26; minus strand). Cytogenetic location: 10p12.1.
Variant type: single nucleotide variant.
Coding change: c.4137T>G on transcript NM_014915.3 (MANE Select); coding-DNA position 4137, T replaced by G.
Protein change: p.Asn1379Lys; replaces asparagine 1379 with lysine.
Molecular consequence: missense variant.
Genome position (GRCh38, 1-based): chr10:27,022,636, A>C on the plus strand (T>G on the coding strand, the complement: ANKRD26 is on the minus strand). VCF-style: chr10-27022636-A-C. GRCh37 (hg19) VCF-style: chr10-27311565-A-C.
Other names: p.Asn1379Lys; c.4134T>G, p.Asn1378Lys (NM_001256053.2); short protein forms N1379K, N1378K.
Identifiers: ClinVar variation 3395086 (VCV003395086.2).

ClinVar aggregate classification (germline): Uncertain significance. Review status: criteria provided, multiple submitters, no conflicts (2 of 4 stars). 2 submissions from 2 submitters: Uncertain significance (2). Last evaluated 2025-06-03.

Conditions:
Inborn genetic diseases. Identifiers: MedGen C0950123, MeSH D030342.

gnomAD v4.1: 3 of 1,578,048 alleles (0.00019%); highest among the groups gnomAD compares: Non-Finnish European, 0.00026%; no homozygotes.

Submissions (2):

Mayo Clinic Laboratories, Mayo Clinic
Classification: Uncertain significance. Last evaluated: 2025-06-03. Review status: criteria provided, single submitter. Criteria: ACMG Guidelines, 2015. Collection method: clinical testing. Allele origin: germline. Observed: 1 variant allele.
Comment: BP4_moderate, PM2_supporting

Ambry Genetics
Classification: Uncertain significance for Inborn genetic diseases. Last evaluated: 2024-11-28. Review status: criteria provided, single submitter. Criteria: Ambry Variant Classification Scheme 2023. Collection method: clinical testing. Allele origin: germline.
Comment: The p.N1379K variant (also known as c.4137T>G), located in coding exon 29 of the ANKRD26 gene, results from a T to G substitution at nucleotide position 4137. The asparagine at codon 1379 is replaced by lysine, an amino acid with similar properties. This amino acid position is conserved. In addition, this alteration is predicted to be tolerated by in silico analysis. Based on the available evidence, the clinical significance of this variant remains unclear.